The following is an entry in ClinVar:

NM_001365951.3(KIF1B):c.2240C>G (p.Ala747Gly)

Gene: KIF1B (kinesin family member 1B; plus strand). Cytogenetic location: 1p36.22.
Variant type: single nucleotide variant.
Coding change: c.2240C>G on transcript NM_001365951.3 (MANE Select); coding-DNA position 2240, C replaced by G.
Protein change: p.Ala747Gly; replaces alanine 747 with glycine.
Molecular consequence: missense variant.
Genome position (GRCh38, 1-based): chr1:10,321,739, C>G. VCF-style: chr1-10321739-C-G. GRCh37 (hg19) VCF-style: chr1-10381797-C-G.
Other names: c.2240C>G, p.Ala747Gly (NM_001365952.1); c.2102C>G, p.Ala701Gly (NM_015074.3); short protein forms A701G, A747G.
Identifiers: ClinVar variation 1785940 (VCV001785940.7), dbSNP rs1050061684, ClinGen allele CA17832204.

ClinVar aggregate classification (germline): Uncertain significance. Review status: criteria provided, multiple submitters, no conflicts (2 of 4 stars). 3 submissions from 3 submitters: Uncertain significance (3). Last evaluated 2025-05-11.

Conditions:
Charcot-Marie-Tooth disease type 2. Also called: Charcot-Marie-Tooth type 2. Identifiers: Orphanet 64746, MedGen C0270914, MONDO:0018993.

Allele frequency attached by ClinVar (database versions not stated): TOPMed below 0.00001; gnomAD exomes below 0.00001.
gnomAD v4.1: 1 of 1,614,100 alleles (0.000062%); highest among the groups gnomAD compares: African/African-American, 0.0013%; no homozygotes.

Submissions (3):

Ambry Genetics
Classification: Uncertain significance. Last evaluated: 2025-05-11. Review status: criteria provided, single submitter. Criteria: Ambry Variant Classification Scheme 2023. Collection method: clinical testing. Allele origin: germline.
Comment: The p.A701G variant (also known as c.2102C>G), located in coding exon 21 of the KIF1B gene, results from a C to G substitution at nucleotide position 2102. The alanine at codon 701 is replaced by glycine, an amino acid with similar properties. This amino acid position is highly conserved in available vertebrate species. In addition, the in silico prediction for this alteration is inconclusive. The evidence for this gene-disease relationship is limited; therefore, the clinical significance of this alteration is unclear.

Dasa
Classification: Uncertain significance. Last evaluated: 2025-01-15. Review status: criteria provided, single submitter. Criteria: DASA Assertion Criteria. Collection method: clinical testing. Allele origin: germline.
Comment: NM_001365951.3(KIF1B):c.2240C>G (p.Ala747Gly) is a missense variant that results in the substitution of alanine with glycine. This variant is rare in population databases. Computational prediction algorithms are consistent with a deleterious effect. The currently available literature and clinical evidence are not sufficient to establish a definitive association between this variant and the reported condition. Therefore, this variant is classified as a variant of uncertain significance.

Labcorp Genetics (formerly Invitae), Labcorp
Classification: Uncertain significance for Charcot-Marie-Tooth disease type 2. Last evaluated: 2024-02-15. Review status: criteria provided, single submitter. Criteria: Invitae Variant Classification Sherloc (09022015). Collection method: clinical testing. Allele origin: germline.
Comment: This sequence change replaces alanine, which is neutral and non-polar, with glycine, which is neutral and non-polar, at codon 701 of the KIF1B protein (p.Ala701Gly). This variant is present in population databases (no rsID available, gnomAD 0.007%). This variant has not been reported in the literature in individuals affected with KIF1B-related conditions. ClinVar contains an entry for this variant (Variation ID: 1785940). Advanced modeling of protein sequence and biophysical properties (such as structural, functional, and spatial information, amino acid conservation, physicochemical variation, residue mobility, and thermodynamic stability) performed at Invitae indicates that this missense variant is not expected to disrupt KIF1B protein function with a negative predictive value of 80%. In summary, the available evidence is currently insufficient to determine the role of this variant in disease. Therefore, it has been classified as a Variant of Uncertain Significance.